The following is an entry in ClinVar:

NM_001368894.2(PAX6):c.2T>G (p.Met1Arg)

Gene: PAX6 (paired box 6; minus strand). Cytogenetic location: 11p13.
Variant type: single nucleotide variant.
Coding change: c.2T>G on transcript NM_001368894.2 (MANE Select); coding-DNA position 2, T replaced by G.
Protein change: p.Met1Arg; changes the start codon (methionine 1).
Molecular consequence: missense variant, initiator codon variant. On other transcripts: 5 prime UTR variant (2), non-coding transcript variant (2), intron variant (2).
Genome position (GRCh38, 1-based): chr11:31,806,410, A>C on the plus strand (T>G on the coding strand, the complement: PAX6 is on the minus strand). VCF-style: chr11-31806410-A-C. GRCh37 (hg19) VCF-style: chr11-31827958-A-C.
Other names: c.2T>G, p.Met1Arg (NM_000280.6, NM_001127612.3, NM_001258462.3 and 30 more transcripts); c.-276T>G (NM_001368904.2); c.-780T>G (NM_001368905.2); c.102T>G, p.His34Gln (NM_001368910.2); c.-268+4418T>G (NM_001368909.2); c.14-3576T>G (NM_001368911.2); short protein forms H34Q, M1R.
Identifiers: ClinVar variation 3759153 (VCV003759153.2).

ClinVar aggregate classification (germline): Pathogenic (1 of 4 stars; one submission).

Conditions:
Aniridia 1 (AN1). Identifiers: Orphanet 250923, MedGen C0344542, MONDO:0024507, OMIM 106210.
Irido-corneo-trabecular dysgenesis (ASGD5). Also called: ANTERIOR SEGMENT DYSGENESIS 5. Identifiers: Orphanet 708, MedGen C0344559, MONDO:0011414, OMIM 604229, HP:0000659.

Submission:

Labcorp Genetics (formerly Invitae), Labcorp
Classification: Pathogenic for Aniridia 1; Irido-corneo-trabecular dysgenesis. Last evaluated: 2024-12-10. Review status: criteria provided, single submitter. Criteria: Invitae Variant Classification Sherloc (09022015). Collection method: clinical testing. Allele origin: germline.
Comment: This sequence change affects the initiator methionine of the PAX6 mRNA. The next in-frame methionine is located at codon 137. This variant is not present in population databases (gnomAD no frequency). Disruption of the initiator codon has been observed in individual(s) with aniridia (PMID: 28321846, 33494148). In at least one individual the variant was observed to be de novo. For these reasons, this variant has been classified as Pathogenic.

Literature cited by the submitters: PubMed 28321846; PubMed 33494148.